The following is an entry in ClinVar:

NM_002788.4(PSMA3):c.695_699del (p.Ile232fs)

Genes: PSMA3-AS1 (PSMA3 antisense RNA 1; minus strand), PSMA3 (proteasome 20S subunit alpha 3; plus strand). Cytogenetic location: 14q23.1.
Variant type: Deletion.
Coding change: c.695_699del on transcript NM_002788.4 (MANE Select); coding-DNA positions 695 to 699, 5 bases deleted (TAAGA; older notation c.695_699delTAAGA).
Protein change: p.Ile232fs; shifts the reading frame from isoleucine 232.
Molecular consequence: frameshift variant. On other transcripts: non-coding transcript variant (1).
Genome position (GRCh38, 1-based): chr14:58,270,970-58,270,974, TAAGA deleted; deleting any 5 consecutive bases within chr14:58,270,969-58,270,974 gives the same sequence; the c. name uses the placement nearest the transcript's 3' end. VCF-style (leftmost placement, unchanged base first): chr14-58270968-TATAAG-T. GRCh37 (hg19) VCF-style: chr14-58737686-TATAAG-T.
Other names: c.674_678del, p.Ile225fs (NM_152132.3); short protein forms I225fs, I232fs.
Identifiers: ClinVar variation 4701582 (VCV004701582.1).

ClinVar aggregate classification (germline): Uncertain significance (1 of 4 stars; one submission).

Submission:

Labcorp Genetics (formerly Invitae), Labcorp
Classification: Uncertain significance. Last evaluated: 2026-01-26. Review status: criteria provided, single submitter. Criteria: Invitae Variant Classification Sherloc (09022015). Collection method: clinical testing. Allele origin: germline.
Comment: This sequence change creates a premature translational stop signal (p.Ile232Argfs*8) in the PSMA3 gene. While this is not anticipated to result in nonsense mediated decay, it is expected to disrupt the last 24 amino acid(s) of the PSMA3 protein. The frequency data for this variant in the population databases is considered unreliable, as metrics indicate poor data quality at this position in the gnomAD database. This variant has not been reported in the literature in individuals affected with PSMA3-related conditions. Experimental studies and prediction algorithms are not available or were not evaluated, and the functional significance of this variant is currently unknown. In summary, the available evidence is currently insufficient to determine the role of this variant in disease. Therefore, it has been classified as a Variant of Uncertain Significance.